The following is an entry in ClinVar:

NM_000059.4(BRCA2):c.3048_3049dup (p.Ile1017fs)

Gene: BRCA2 (BRCA2 DNA repair associated; plus strand). Cytogenetic location: 13q13.1.
Variant type: Duplication.
Coding change: c.3048_3049dup on transcript NM_000059.4 (MANE Select); coding-DNA positions 3048 to 3049, 2 bases duplicated (AA; older notation c.3048_3049dupAA).
Protein change: p.Ile1017fs; shifts the reading frame from isoleucine 1017.
Molecular consequence: frameshift variant. On other transcripts: non-coding transcript variant (1), intron variant (2).
Genome position (GRCh38, 1-based): chr13:32,337,403-32,337,404, AA duplicated; duplicating any 2 consecutive bases within chr13:32,337,402-32,337,404 gives the same sequence; the c. name uses the placement nearest the transcript's 3' end. VCF-style (leftmost placement, unchanged base first): chr13-32337401-G-GAA. GRCh37 (hg19) VCF-style: chr13-32911538-G-GAA.
Other names: c.3048_3049dup, p.Ile1017fs (NM_001406719.1, NM_001406720.1); c.1909+4016_1909+4017dup (NM_001406721.1); c.424+6373_424+6374dup (NM_001406722.1); c.3048_3049dupAA (NM_000059.3); short protein forms I1017fs.
Identifiers: ClinVar variation 2747368 (VCV002747368.4), dbSNP rs2548525114, ClinGen allele CA2697551742.

ClinVar aggregate classification (germline): Pathogenic. Review status: criteria provided, multiple submitters, no conflicts (2 of 4 stars). 2 submissions from 2 submitters: Pathogenic (2). Last evaluated 2025-05-08.

Conditions:
Hereditary cancer-predisposing syndrome. Also called: Hereditary Cancer Syndrome; Neoplastic Syndromes, Hereditary; Tumor predisposition; Hereditary neoplastic syndrome. Identifiers: Orphanet 140162, MedGen C0027672, MeSH D009386, MONDO:0015356.
Hereditary breast ovarian cancer syndrome. Also called: BRCA1- and BRCA2-Associated Hereditary Breast and Ovarian Cancer; Breast and ovarian cancer; Hereditary breast and/or ovarian cancer syndrome; Hereditary breast and ovarian cancer; Hereditary breast and ovarian cancer syndrome (HBOC); Hereditary breast and ovarian cancer syndrome. Identifiers: Orphanet 145, MedGen C0677776, MeSH D061325, MONDO:0003582. Disease mechanism: loss of function.

Submissions (2):

Ambry Genetics
Classification: Pathogenic for Hereditary cancer-predisposing syndrome. Last evaluated: 2025-05-08. Review status: criteria provided, single submitter. Criteria: Ambry Variant Classification Scheme 2023. Collection method: clinical testing. Allele origin: germline.
Comment: The c.3048_3049dupAA pathogenic mutation, located in coding exon 10 of the BRCA2 gene, results from a duplication of AA at nucleotide position 3048, causing a translational frameshift with a predicted alternate stop codon (p.I1017Kfs*27). This variant is considered to be rare based on population cohorts in the Genome Aggregation Database (gnomAD). This alteration is expected to result in loss of function by premature protein truncation or nonsense-mediated mRNA decay. As such, this alteration is interpreted as a disease-causing mutation.

Labcorp Genetics (formerly Invitae), Labcorp
Classification: Pathogenic for Hereditary breast ovarian cancer syndrome. Last evaluated: 2023-07-27. Review status: criteria provided, single submitter. Criteria: Invitae Variant Classification Sherloc (09022015). Collection method: clinical testing. Allele origin: germline.
Comment: For these reasons, this variant has been classified as Pathogenic. This variant has not been reported in the literature in individuals affected with BRCA2-related conditions. This variant is not present in population databases (gnomAD no frequency). This sequence change creates a premature translational stop signal (p.Ile1017Lysfs*27) in the BRCA2 gene. It is expected to result in an absent or disrupted protein product. Loss-of-function variants in BRCA2 are known to be pathogenic (PMID: 20104584).

Literature cited by the submitters: PubMed 20104584 (cited by Labcorp Genetics (formerly Invitae), Labcorp).